The following is an entry in ClinVar:

ClinVar aggregate classification (germline): Likely pathogenic (1 of 4 stars; one submission).

Submission:

Labcorp Genetics (formerly Invitae), Labcorp
Classification: Likely pathogenic. Last evaluated: 2022-10-23. Review status: criteria provided, single submitter. Criteria: Invitae Variant Classification Sherloc (09022015). Collection method: clinical testing. Allele origin: germline.
Comment: Algorithms developed to predict the effect of sequence changes on RNA splicing suggest that this variant may disrupt the consensus splice site. In summary, the currently available evidence indicates that the variant is pathogenic, but additional data are needed to prove that conclusively. Therefore, this variant has been classified as Likely Pathogenic. This variant has not been reported in the literature in individuals affected with C3-related conditions. This sequence change affects a donor splice site in intron 23 of the C3 gene. It is expected to disrupt RNA splicing. Variants that disrupt the donor or acceptor splice site typically lead to a loss of protein function (PMID: 16199547), and loss-of-function variants in C3 are known to be pathogenic (PMID: 12462331, 14639503, 21501302). This variant is not present in population databases (gnomAD no frequency).

Literature cited by the submitters: PubMed 16199547; PubMed 12462331; PubMed 14639503; PubMed 21501302.

NM_000064.4(C3):c.2950+2T>G

Gene: C3 (complement C3; minus strand). Cytogenetic location: 19p13.3.
Variant type: single nucleotide variant.
Coding change: c.2950+2T>G on transcript NM_000064.4 (MANE Select); the canonical splice donor site of the intron after coding-DNA position 2950, T replaced by G.
Molecular consequence: splice donor variant.
Genome position (GRCh38, 1-based): chr19:6,696,377, A>C on the plus strand (T>G on the coding strand, the complement: C3 is on the minus strand). VCF-style: chr19-6696377-A-C. GRCh37 (hg19) VCF-style: chr19-6696388-A-C.
Identifiers: ClinVar variation 2036658 (VCV002036658.4), dbSNP rs112731263, ClinGen allele CA304785043.
Genomic context (GRCh38, chr19:6,696,377, plus strand): 5'-TGGAATTTGGCTCCATCCATGCCCTCCTGGGACCCATGGGGTCGGGGTCAAGGGTGTCTC[A>C]CCTTGCAGGAGAATTCTGGTCTCAGACTCGGTGTCCGGGACTTGGTCACTGAGGTCTGCA-3'